The following is an entry in ClinVar:

NM_004333.6(BRAF):c.848A>G (p.Tyr283Cys)

Gene: BRAF (B-Raf proto-oncogene, serine/threonine kinase; minus strand). Cytogenetic location: 7q34.
Variant type: single nucleotide variant.
Coding change: c.848A>G on transcript NM_004333.6 (MANE Select); coding-DNA position 848, A replaced by G.
Protein change: p.Tyr283Cys; replaces tyrosine 283 with cysteine.
Molecular consequence: missense variant.
Genome position (GRCh38, 1-based): chr7:140,801,424, T>C on the plus strand (A>G on the coding strand, the complement: BRAF is on the minus strand). VCF-style: chr7-140801424-T-C. GRCh37 (hg19) VCF-style: chr7-140501224-T-C.
Other names: c.848A>G, p.Tyr283Cys (NM_001354609.2, NM_001374244.1, NM_001374258.1 and 4 more transcripts); c.857A>G, p.Tyr286Cys (NM_001378467.1); c.746A>G, p.Tyr249Cys (NM_001378470.1); c.692A>G, p.Tyr231Cys (NM_001378472.1, NM_001378473.1); c.584A>G, p.Tyr195Cys (NM_001378475.1); short protein forms Y249C, Y286C, Y195C, Y283C, Y231C.
Identifiers: ClinVar variation 3680281 (VCV003680281.2).
Genomic context (GRCh38, chr7:140,801,424, plus strand): 5'-TTAAGTGTAAAATGGTAGGTAGAAAAGAGATATTTTTGGATTACTTACTCAAGTTGGTCA[T>C]AATTAACACACATCAGTGGAACTTCTGTACTACAACGCTGGTGAAATTTATAACCACATG-3'
Protein context (NP_004324.2, residues 273-293): STEVPLMCVN[Tyr283Cys]DQLDLLFVSK

ClinVar aggregate classification (germline): Uncertain significance (1 of 4 stars; one submission).

Conditions:
RASopathy. Also called: rasopathies; Noonan spectrum disorder. Identifiers: Orphanet 536391, MedGen C5555857, MONDO:0021060.

gnomAD v4.1: 1 of 1,613,900 alleles (0.000062%); highest among the groups gnomAD compares: South Asian, 0.0011%; no homozygotes.

Submission:

Labcorp Genetics (formerly Invitae), Labcorp
Classification: Uncertain significance for RASopathy. Last evaluated: 2024-06-03. Review status: criteria provided, single submitter. Criteria: Invitae Variant Classification Sherloc (09022015). Collection method: clinical testing. Allele origin: germline.
Comment: This sequence change replaces tyrosine, which is neutral and polar, with cysteine, which is neutral and slightly polar, at codon 283 of the BRAF protein (p.Tyr283Cys). This variant is present in population databases (rs756120029, gnomAD 0.003%). This variant has not been reported in the literature in individuals affected with BRAF-related conditions. Advanced modeling of protein sequence and biophysical properties (such as structural, functional, and spatial information, amino acid conservation, physicochemical variation, residue mobility, and thermodynamic stability) performed at Invitae indicates that this missense variant is not expected to disrupt BRAF protein function with a negative predictive value of 80%. In summary, the available evidence is currently insufficient to determine the role of this variant in disease. Therefore, it has been classified as a Variant of Uncertain Significance.